The following is an entry in ClinVar:

NM_000090.4(COL3A1):c.1662+6T>C

Gene: COL3A1 (collagen type III alpha 1 chain; plus strand). Cytogenetic location: 2q32.2.
Variant type: single nucleotide variant.
Coding change: c.1662+6T>C on transcript NM_000090.4 (MANE Select); 6 bases into the intron after coding-DNA position 1662, T replaced by C.
Molecular consequence: intron variant.
Genome position (GRCh38, 1-based): chr2:188,996,184, T>C. VCF-style: chr2-188996184-T-C. GRCh37 (hg19) VCF-style: chr2-189860910-T-C.
Identifiers: ClinVar variation 1331842 (VCV001331842.4), dbSNP rs2153502633, ClinGen allele CA2573051816.
Genomic context (GRCh38, chr2:188,996,184, plus strand): 5'-GGGCATGCCCGGAAGTCCAGGAGGACCAGGAAGTGATGGGAAACCAGGGCCTCCCGTATG[T>C]ACATTTTTAAAATCTCATTTTAAAAGGCCAGTTAAAATGGAATGTATATGTTGGCCTATC-3'

ClinVar aggregate classification (germline): Uncertain significance. Review status: criteria provided, multiple submitters, no conflicts (2 of 4 stars). 2 submissions from 2 submitters: Uncertain significance (2). Last evaluated 2024-05-14.

Conditions:
Ehlers-Danlos syndrome, type 4 (EDSVASC). Also called: Ehlers-Danlos syndrome vascular type; Ehlers Danlos syndrome, ecchymotic type; Ehlers Danlos syndrome, arterial type; Ehlers Danlos syndrome, Sack-Barabas type; Ehlers-Danlos Syndrome Type IV. Identifiers: Orphanet 286, MedGen C0268338, MONDO:0017314, OMIM 130050.
Familial thoracic aortic aneurysm and aortic dissection (TAAD). Also called: Thoracic aortic aneurysms and dissections. Identifiers: Orphanet 91387, MedGen C4707243, MONDO:0019625.

gnomAD v4.1: 1 of 1,613,096 alleles (0.000062%); highest among the groups gnomAD compares: East Asian, 0.0022%; no homozygotes.

Submissions (2):

All of Us Research Program, National Institutes of Health
Classification: Uncertain significance for Ehlers-Danlos syndrome, type 4. Last evaluated: 2024-05-14. Review status: criteria provided, single submitter. Criteria: ACMG Guidelines, 2015. Collection method: clinical testing. Allele origin: germline. Inheritance: Autosomal dominant inheritance. Observed: 1 variant allele, 1 heterozygote.
Comment: This variant causes a T to C nucleotide substitution at the +6 position of intron 23 of the COL3A1 gene. Splice site prediction tools are inconclusive regarding the impact of this variant on RNA splicing. To our knowledge, RNA studies have not been reported for this variant. This variant has not been reported in individuals affected with COL3A1-related disorders in the literature. This variant has not been identified in the general population by the Genome Aggregation Database (gnomAD). The available evidence is insufficient to determine the role of this variant in disease conclusively. Therefore, this variant is classified as a Variant of Uncertain Significance.

This study involves interpretation of variants in research participants for the purpose of population health screening. Participant phenotype was not available at the time of variant classification. Additional details can be found in publication PMID: 35346344, PMCID: PMC8962531

Color Diagnostics, LLC DBA Color Health
Classification: Uncertain significance for Familial thoracic aortic aneurysm and aortic dissection. Last evaluated: 2024-04-12. Review status: criteria provided, single submitter. Criteria: ACMG Guidelines, 2015. Collection method: clinical testing. Allele origin: germline.
Comment: This variant causes a T to C nucleotide substitution at the +6 position of intron 23 of the COL3A1 gene. Splice site prediction tools are inconclusive regarding the impact of this variant on RNA splicing. To our knowledge, RNA studies have not been reported for this variant. This variant has not been reported in individuals affected with COL3A1-related disorders in the literature. This variant has not been identified in the general population by the Genome Aggregation Database (gnomAD). The available evidence is insufficient to determine the role of this variant in disease conclusively. Therefore, this variant is classified as a Variant of Uncertain Significance.